The following is an entry in ClinVar:

ClinVar aggregate classification (germline): Uncertain significance (1 of 4 stars; one submission).

Submission:

Labcorp Genetics (formerly Invitae), Labcorp
Classification: Uncertain significance. Last evaluated: 2024-01-17. Review status: criteria provided, single submitter. Criteria: Invitae Variant Classification Sherloc (09022015). Collection method: clinical testing. Allele origin: germline.
Comment: This sequence change replaces glycine, which is neutral and non-polar, with aspartic acid, which is acidic and polar, at codon 188 of the ARID1A protein (p.Gly188Asp). This variant is not present in population databases (gnomAD no frequency). This variant has not been reported in the literature in individuals affected with ARID1A-related conditions. Advanced modeling of protein sequence and biophysical properties (such as structural, functional, and spatial information, amino acid conservation, physicochemical variation, residue mobility, and thermodynamic stability) performed at Invitae indicates that this missense variant is not expected to disrupt ARID1A protein function with a negative predictive value of 95%. In summary, the available evidence is currently insufficient to determine the role of this variant in disease. Therefore, it has been classified as a Variant of Uncertain Significance.

NM_006015.6(ARID1A):c.563G>A (p.Gly188Asp)

Gene: ARID1A (AT-rich interaction domain 1A; plus strand). Cytogenetic location: 1p36.11.
Variant type: single nucleotide variant.
Coding change: c.563G>A on transcript NM_006015.6 (MANE Select); coding-DNA position 563, G replaced by A.
Protein change: p.Gly188Asp; replaces glycine 188 with aspartic acid.
Molecular consequence: missense variant.
Genome position (GRCh38, 1-based): chr1:26,696,966, G>A. VCF-style: chr1-26696966-G-A. GRCh37 (hg19) VCF-style: chr1-27023457-G-A.
Other names: c.563G>A, p.Gly188Asp (NM_139135.4); short protein forms G188D.
Identifiers: ClinVar variation 2972414 (VCV002972414.3), dbSNP rs2124742460, ClinGen allele CA339265637.